The following is an entry in ClinVar:

ClinVar aggregate classification (germline): Uncertain significance (1 of 4 stars; one submission).

Submission:

CeGaT Center for Human Genetics Tuebingen
Classification: Uncertain significance. Last evaluated: 2024-09-01. Review status: criteria provided, single submitter. Criteria: CeGaT Center For Human Genetics Tuebingen Variant Classification Criteria Version 2. Collection method: clinical testing. Allele origin: germline. Affected: yes. Observed: 3 variant alleles.
Comment: GJB1: PM1, PM2, PS4:Supporting

NM_000166.6(GJB1):c.183C>A (p.Asn61Lys)

Gene: GJB1 (gap junction protein beta 1; plus strand). Cytogenetic location: Xq13.1.
Variant type: single nucleotide variant.
Coding change: c.183C>A on transcript NM_000166.6 (MANE Select); coding-DNA position 183, C replaced by A.
Protein change: p.Asn61Lys; replaces asparagine 61 with lysine.
Molecular consequence: missense variant.
Genome position (GRCh38, 1-based): chrX:71,223,890, C>A. VCF-style: chrX-71223890-C-A. GRCh37 (hg19) VCF-style: chrX-70443740-C-A.
Other names: c.183C>A, p.Asn61Lys (NM_001097642.3); short protein forms N61K.
Identifiers: ClinVar variation 932608 (VCV000932608.39), dbSNP rs1364055284, ClinGen allele CA413501326.